The following is an entry in ClinVar:

ClinVar aggregate classification (germline): Conflicting classifications of pathogenicity. Review status: criteria provided, conflicting classifications (1 of 4 stars). 2 submissions from 2 submitters: Uncertain significance (1); Likely benign (1). Last evaluated 2023-03-23.

Conditions:
Hereditary cancer-predisposing syndrome. Also called: Tumor predisposition; Hereditary neoplastic syndrome; Hereditary Cancer Syndrome; Neoplastic Syndromes, Hereditary. Identifiers: Orphanet 140162, MedGen C0027672, MeSH D009386, MONDO:0015356.
Hereditary breast ovarian cancer syndrome. Also called: Hereditary breast and ovarian cancer syndrome; Hereditary breast and ovarian cancer; Hereditary breast and ovarian cancer syndrome (HBOC); BRCA1- and BRCA2-Associated Hereditary Breast and Ovarian Cancer; Hereditary breast and/or ovarian cancer syndrome; Breast and ovarian cancer. Identifiers: Orphanet 145, MedGen C0677776, MeSH D061325, MONDO:0003582. Disease mechanism: loss of function.

Submissions (2):

University of Washington Department of Laboratory Medicine, University of Washington
Classification: Likely benign for Hereditary cancer-predisposing syndrome. Last evaluated: 2023-03-23. Review status: criteria provided, single submitter. Criteria: Dines et al. (Genet Med. 2020). Collection method: curation. Allele origin: germline.
Comment: Missense variant in a coldspot region where missense variants are very unlikely to be pathogenic (PMID:31911673).

BRCA1 coldspot (exon 11 using historical exon numbering). Reclassification based on statistical prior probability

Labcorp Genetics (formerly Invitae), Labcorp
Classification: Uncertain significance for Hereditary breast ovarian cancer syndrome. Last evaluated: 2022-12-02. Review status: criteria provided, single submitter. Criteria: Invitae Variant Classification Sherloc (09022015). Collection method: clinical testing. Allele origin: germline.
Comment: In summary, the available evidence is currently insufficient to determine the role of this variant in disease. Therefore, it has been classified as a Variant of Uncertain Significance. Advanced modeling of protein sequence and biophysical properties (such as structural, functional, and spatial information, amino acid conservation, physicochemical variation, residue mobility, and thermodynamic stability) performed at Invitae indicates that this missense variant is not expected to disrupt BRCA1 protein function. ClinVar contains an entry for this variant (Variation ID: 1052861). This variant has not been reported in the literature in individuals affected with BRCA1-related conditions. This variant is not present in population databases (gnomAD no frequency). This sequence change replaces serine, which is neutral and polar, with isoleucine, which is neutral and non-polar, at codon 1189 of the BRCA1 protein (p.Ser1189Ile).

NM_007294.4(BRCA1):c.3566G>T (p.Ser1189Ile)

Genes: BRCA1 (BRCA1 DNA repair associated; minus strand), LOC126862571 (BRD4-independent group 4 enhancer GRCh37_chr17:41243136-41244335; plus strand). Cytogenetic location: 17q21.31.
Variant type: single nucleotide variant.
Coding change: c.3566G>T on transcript NM_007294.4 (MANE Select); coding-DNA position 3566, G replaced by T.
Protein change: p.Ser1189Ile; replaces serine 1189 with isoleucine.
Molecular consequence: missense variant. On other transcripts: intron variant (135).
Genome position (GRCh38, 1-based): chr17:43,091,965, C>A on the plus strand (G>T on the coding strand, the complement: BRCA1 is on the minus strand). VCF-style: chr17-43091965-C-A. GRCh37 (hg19) VCF-style: chr17-41243982-C-A.
Other names: c.3566G>T, p.Ser1189Ile (NM_001407582.1, NM_001407583.1, NM_001407581.1 and 30 more transcripts); c.3353G>T, p.Ser1118Ile (NM_001407571.1, NM_001407853.1, NM_001407894.1 and 9 more transcripts); c.3563G>T, p.Ser1188Ile (NM_001407587.1, NM_001407590.1, NM_001407591.1 and 22 more transcripts); c.3557G>T, p.Ser1186Ile (NM_001407646.1, NM_001407647.1); c.3443G>T, p.Ser1148Ile (NM_001407648.1, NM_001407664.1, NM_001407665.1 and 19 more transcripts); c.3440G>T, p.Ser1147Ile (NM_001407649.1, NM_001407670.1, NM_001407671.1 and 11 more transcripts); c.3488G>T, p.Ser1163Ile (NM_001407653.1, NM_001407654.1, NM_001407655.1 and 4 more transcripts); c.3485G>T, p.Ser1162Ile (NM_001407659.1, NM_001407660.1, NM_001407661.1 and 1 more transcripts); and 41 more; short protein forms S1142I, S1189I, S1077I, S1100I, S1101I, S1021I, S1062I, S1078I.
Identifiers: ClinVar variation 1052861 (VCV001052861.12), dbSNP rs2154302764, ClinGen allele CA10594830.
Genomic context (GRCh38, chr17:43,091,965, plus strand): 5'-AATTTCTTGGCCCCTCTTCGGTAACCCTGAGCCAAATGTGTATGGGTGAAAGGGCTAGGA[C>A]TCCTGCTAAGCTCTCCTTTCTGGACGCTTTTGCTAAAAACAGCAGAACTTTCCTTAATGT-3'
Protein context (NP_009225.1, residues 1179-1199): KSVQKGELSR[Ser1189Ile]PSPFTHTHLA